The following is an entry in ClinVar:

NM_170754.4(TNS2):c.3964G>A (p.Gly1322Ser)

Gene: TNS2 (tensin 2; plus strand). Cytogenetic location: 12q13.13.
Variant type: single nucleotide variant.
Coding change: c.3964G>A on transcript NM_170754.4 (MANE Select); coding-DNA position 3964, G replaced by A.
Protein change: p.Gly1322Ser; replaces glycine 1322 with serine.
Molecular consequence: missense variant.
Genome position (GRCh38, 1-based): chr12:53,063,229, G>A. VCF-style: chr12-53063229-G-A. GRCh37 (hg19) VCF-style: chr12-53457013-G-A.
Other names: c.3964G>A, p.Gly1322Ser (NM_001416202.1); c.3922G>A, p.Gly1308Ser (NM_001416203.1); c.3991G>A, p.Gly1331Ser (NM_001416204.1); c.3895G>A, p.Gly1299Ser (NM_015319.3); c.3592G>A, p.Gly1198Ser (NM_198316.2); short protein forms G1198S, G1308S, G1322S, G1299S, G1331S.
Identifiers: ClinVar variation 3651207 (VCV003651207.2).

ClinVar aggregate classification (germline): Uncertain significance (1 of 4 stars; one submission).

gnomAD v4.1: 1 of 1,612,960 alleles (0.000062%); highest among the groups gnomAD compares: East Asian, 0.0022%; no homozygotes.

Submission:

Labcorp Genetics (formerly Invitae), Labcorp
Classification: Uncertain significance. Last evaluated: 2024-04-25. Review status: criteria provided, single submitter. Criteria: Invitae Variant Classification Sherloc (09022015). Collection method: clinical testing. Allele origin: germline.
Comment: This sequence change replaces glycine, which is neutral and non-polar, with serine, which is neutral and polar, at codon 1332 of the TNS2 protein (p.Gly1332Ser). This variant is not present in population databases (gnomAD no frequency). This variant has not been reported in the literature in individuals affected with TNS2-related conditions. An algorithm developed to predict the effect of missense changes on protein structure and function (PolyPhen-2) suggests that this variant is likely to be disruptive. In summary, the available evidence is currently insufficient to determine the role of this variant in disease. Therefore, it has been classified as a Variant of Uncertain Significance.